The following is an entry in ClinVar:

NM_182961.4(SYNE1):c.6478C>T (p.His2160Tyr)

Gene: SYNE1 (spectrin repeat containing nuclear envelope protein 1; minus strand). Cytogenetic location: 6q25.2.
Variant type: single nucleotide variant.
Coding change: c.6478C>T on transcript NM_182961.4 (MANE Select); coding-DNA position 6478, C replaced by T.
Protein change: p.His2160Tyr; replaces histidine 2160 with tyrosine.
Molecular consequence: missense variant.
Genome position (GRCh38, 1-based): chr6:152,409,130, G>A on the plus strand (C>T on the coding strand, the complement: SYNE1 is on the minus strand). VCF-style: chr6-152409130-G-A. GRCh37 (hg19) VCF-style: chr6-152730265-G-A.
Other names: c.6499C>T, p.His2167Tyr (NM_033071.5); short protein forms H2160Y, H2167Y.
Identifiers: ClinVar variation 2180319 (VCV002180319.4), dbSNP rs2495665334, ClinGen allele CA366125676.

ClinVar aggregate classification (germline): Uncertain significance (1 of 4 stars; one submission).

Conditions:
Emery-Dreifuss muscular dystrophy 4, autosomal dominant (EDMD4). Also called: EMERY-DREIFUSS MUSCULAR DYSTROPHY 4 WITH VARIABLE FEATURES. Identifiers: Orphanet 261, MedGen C2751807, MONDO:0013071, OMIM 612998.
Autosomal recessive ataxia, Beauce type. Also called: Spinocerebellar ataxia, autosomal recessive 8; ATAXIA, RECESSIVE, OF BEAUCE; SYNE1-Related Autosomal Recessive Cerebellar Ataxia; SYNE1 Deficiency. Identifiers: Orphanet 88644, MedGen C1853116, MONDO:0012549, OMIM 610743.

Submission:

Labcorp Genetics (formerly Invitae), Labcorp
Classification: Uncertain significance for Emery-Dreifuss muscular dystrophy 4, autosomal dominant; Autosomal recessive ataxia, Beauce type. Last evaluated: 2022-07-19. Review status: criteria provided, single submitter. Criteria: Invitae Variant Classification Sherloc (09022015). Collection method: clinical testing. Allele origin: germline.
Comment: This sequence change replaces histidine, which is basic and polar, with tyrosine, which is neutral and polar, at codon 2167 of the SYNE1 protein (p.His2167Tyr). In summary, the available evidence is currently insufficient to determine the role of this variant in disease. Therefore, it has been classified as a Variant of Uncertain Significance. Algorithms developed to predict the effect of missense changes on protein structure and function (SIFT, PolyPhen-2, Align-GVGD) all suggest that this variant is likely to be disruptive. This variant has not been reported in the literature in individuals affected with SYNE1-related conditions. This variant is not present in population databases (gnomAD no frequency).